The following is an entry in ClinVar:

ClinVar aggregate classification (germline): Benign (1 of 4 stars; one submission).

Allele frequency attached by ClinVar (database versions not stated): 1000 Genomes Project 30x 0.55169; 1000 Genomes Project 0.55931; TOPMed 0.56408; gnomAD 0.56432 and 0.56750.
gnomAD v4.1: 86,486 of 151,994 alleles (57%); highest among the groups gnomAD compares: East Asian, 72%; 25,948 homozygotes.

Submission:

GeneDx
Classification: Benign. Last evaluated: 2018-06-14. Review status: criteria provided, single submitter. Criteria: GeneDx Variant Classification (06012015). Collection method: clinical testing. Allele origin: germline. Affected: yes.
Comment: This variant is considered likely benign or benign based on one or more of the following criteria: it is a conservative change, it occurs at a poorly conserved position in the protein, it is predicted to be benign by multiple in silico algorithms, and/or has population frequency not consistent with disease.

NM_001849.4(COL6A2):c.1333-229C>T

Gene: COL6A2 (collagen type VI alpha 2 chain; plus strand). Cytogenetic location: 21q22.3.
Variant type: single nucleotide variant.
Coding change: c.1333-229C>T on transcript NM_001849.4 (MANE Select); 229 bases into the intron before coding-DNA position 1333, C replaced by T.
Molecular consequence: intron variant.
Genome position (GRCh38, 1-based): chr21:46,120,286, C>T. VCF-style: chr21-46120286-C-T. GRCh37 (hg19) VCF-style: chr21-47540200-C-T.
Other names: c.1333-229C>T (NM_058175.3, NM_058174.3).
Identifiers: ClinVar variation 679217 (VCV000679217.1), dbSNP rs4458293, ClinGen allele CA14875500.